The following is an entry in ClinVar:

NM_005612.5(REST):c.423C>T (p.Pro141=)

Gene: REST (RE1 silencing transcription factor; plus strand). Cytogenetic location: 4q12.
Variant type: single nucleotide variant.
Coding change: c.423C>T on transcript NM_005612.5 (MANE Select); coding-DNA position 423, C replaced by T.
Protein change: p.Pro141=; no amino-acid change (proline 141 retained).
Molecular consequence: synonymous variant.
Genome position (GRCh38, 1-based): chr4:56,911,061, C>T. VCF-style: chr4-56911061-C-T. GRCh37 (hg19) VCF-style: chr4-57777227-C-T.
Other names: c.423C>T, p.Pro141= (NM_001193508.2, NM_001363453.3).
Identifiers: ClinVar variation 2177821 (VCV002177821.23), dbSNP rs1387036063, ClinGen allele CA439635542.

ClinVar aggregate classification (germline): Likely benign. Review status: criteria provided, multiple submitters, no conflicts (2 of 4 stars). 2 submissions from 2 submitters: Likely benign (2). Last evaluated 2024-05-01.

Allele frequency attached by ClinVar (database versions not stated): gnomAD exomes below 0.00001; TOPMed below 0.00001; gnomAD 0.00001.
gnomAD v4.1: 5 of 1,613,944 alleles (0.00031%); highest among the groups gnomAD compares: Middle Eastern, 0.016%; no homozygotes.

Submissions (2):

CeGaT Center for Human Genetics Tuebingen
Classification: Likely benign. Last evaluated: 2024-05-01. Review status: criteria provided, single submitter. Criteria: CeGaT Center For Human Genetics Tuebingen Variant Classification Criteria Version 2. Collection method: clinical testing. Allele origin: germline. Affected: yes. Observed: 1 variant allele.
Comment: REST: BP4, BP7

Labcorp Genetics (formerly Invitae), Labcorp
Classification: Likely benign. Last evaluated: 2022-09-01. Review status: criteria provided, single submitter. Criteria: Invitae Variant Classification Sherloc (09022015). Collection method: clinical testing. Allele origin: germline.